The following is an entry in ClinVar:

ClinVar aggregate classification (germline): Uncertain significance. Review status: criteria provided, multiple submitters, no conflicts (2 of 4 stars). 2 submissions from 2 submitters: Uncertain significance (2). Last evaluated 2024-01-02.

Conditions:
Inborn genetic diseases. Identifiers: MedGen C0950123, MeSH D030342.

Allele frequency attached by ClinVar (database versions not stated): gnomAD 0.00001; ExAC 0.00002; gnomAD exomes 0.00002; TOPMed 0.00002; 1000 Genomes Project 30x 0.00016; 1000 Genomes Project 0.00020.
gnomAD v4.1: 27 of 1,614,164 alleles (0.0017%); highest among the groups gnomAD compares: East Asian, 0.016%; no homozygotes.

Submissions (2):

Ambry Genetics
Classification: Uncertain significance for Inborn genetic diseases. Last evaluated: 2024-01-02. Review status: criteria provided, single submitter. Criteria: Ambry Variant Classification Scheme 2023. Collection method: clinical testing. Allele origin: germline.

Labcorp Genetics (formerly Invitae), Labcorp
Classification: Uncertain significance. Last evaluated: 2022-05-11. Review status: criteria provided, single submitter. Criteria: Invitae Variant Classification Sherloc (09022015). Collection method: clinical testing. Allele origin: germline.
Comment: In summary, the available evidence is currently insufficient to determine the role of this variant in disease. Therefore, it has been classified as a Variant of Uncertain Significance. Algorithms developed to predict the effect of missense changes on protein structure and function are either unavailable or do not agree on the potential impact of this missense change (SIFT: "Deleterious"; PolyPhen-2: "Benign"; Align-GVGD: "Class C0"). This variant has not been reported in the literature in individuals affected with VCAN-related conditions. This variant is present in population databases (rs200298343, gnomAD 0.02%). This sequence change replaces isoleucine, which is neutral and non-polar, with threonine, which is neutral and polar, at codon 91 of the VCAN protein (p.Ile91Thr).

NM_004385.5(VCAN):c.272T>C (p.Ile91Thr)

Gene: VCAN (versican; plus strand). Cytogenetic location: 5q14.2.
Variant type: single nucleotide variant.
Coding change: c.272T>C on transcript NM_004385.5 (MANE Select); coding-DNA position 272, T replaced by C.
Protein change: p.Ile91Thr; replaces isoleucine 91 with threonine.
Molecular consequence: missense variant.
Genome position (GRCh38, 1-based): chr5:83,490,299, T>C. VCF-style: chr5-83490299-T-C. GRCh37 (hg19) VCF-style: chr5-82786118-T-C.
Other names: c.272T>C (NM_004385.4); c.272T>C, p.Ile91Thr (NM_001126336.3, NM_001164097.2, NM_001164098.2); short protein forms I91T.
Identifiers: ClinVar variation 1919627 (VCV001919627.6), dbSNP rs200298343, ClinGen allele CA3332418.